The following is an entry in ClinVar:

ClinVar aggregate classification (germline): Benign (1 of 4 stars; one submission).

Conditions:
Gastrointestinal stromal tumor. Also called: Gastrointestinal stromal tumor, somatic; Gastrointestinal stroma tumor. Identifiers: Orphanet 44890, MedGen C0238198, MeSH D046152, MONDO:0011719, OMIM 606764, HP:0100723.

Submission:

Myriad Genetics, Inc.
Classification: Benign for Gastrointestinal stromal tumor. Last evaluated: 2026-06-05. Review status: criteria provided, single submitter. Criteria: Myriad Autosomal Dominant, Autosomal Recessive and X-Linked Classification Criteria (2023). Collection method: clinical testing. Allele origin: unknown.
Comment: This variant is considered benign. This variant is a silent/synonymous amino acid change and it is not expected to impact splicing.

NM_000222.3(KIT):c.2727A>C (p.Ala909=)

Gene: KIT (KIT proto-oncogene, receptor tyrosine kinase; plus strand). Cytogenetic location: 4q12.
Variant type: single nucleotide variant.
Coding change: c.2727A>C on transcript NM_000222.3 (MANE Select); coding-DNA position 2727, A replaced by C.
Protein change: p.Ala909=; no amino-acid change (alanine 909 retained).
Molecular consequence: synonymous variant.
Genome position (GRCh38, 1-based): chr4:54,737,205, A>C. VCF-style: chr4-54737205-A-C. GRCh37 (hg19) VCF-style: chr4-55603371-A-C.
Other names: c.2715A>C, p.Ala905= (NM_001093772.2, NM_001385292.1); c.2730A>C, p.Ala910= (NM_001385284.1); c.2724A>C, p.Ala908= (NM_001385285.1); c.2712A>C, p.Ala904= (NM_001385286.1); c.2718A>C, p.Ala906= (NM_001385288.1); c.2727A>C, p.Ala909= (NM_001385290.1).
Identifiers: ClinVar variation 4875846 (VCV004875846.1).
Genomic context (GRCh38, chr4:54,737,205, plus strand): 5'-GAGGGATAGTAAATGGCCCTTGTCTTGCAGGTATGACATAATGAAGACTTGCTGGGATGC[A>C]GATCCCCTAAAAAGACCAACATTCAAGCAAATTGTTCAGCTAATTGAGAAGCAGATTTCA-3'
Protein context (NP_000213.1, residues 899-919): MYDIMKTCWD[Ala909=]DPLKRPTFKQ